The following is an entry in ClinVar:

ClinVar aggregate classification (germline): Uncertain significance (1 of 4 stars; one submission).

Allele frequency attached by ClinVar (database versions not stated): TOPMed below 0.00001.
gnomAD v4.1: 2 of 1,203,478 alleles (0.00017%); highest among the groups gnomAD compares: Non-Finnish European, 0.00023%; no homozygotes.

Submission:

Labcorp Genetics (formerly Invitae), Labcorp
Classification: Uncertain significance. Last evaluated: 2025-09-16. Review status: criteria provided, single submitter. Criteria: Invitae Variant Classification Sherloc (09022015). Collection method: clinical testing. Allele origin: germline.
Comment: This sequence change replaces alanine, which is neutral and non-polar, with valine, which is neutral and non-polar, at codon 68 of the DDX3X protein (p.Ala68Val). This variant is not present in population databases (gnomAD no frequency). This variant has not been reported in the literature in individuals affected with DDX3X-related conditions. ClinVar contains an entry for this variant (Variation ID: 2121099). Experimental studies and prediction algorithms are not available or were not evaluated, and the functional significance of this variant is currently unknown. In summary, the available evidence is currently insufficient to determine the role of this variant in disease. Therefore, it has been classified as a Variant of Uncertain Significance.

NM_001356.5(DDX3X):c.203C>T (p.Ala68Val)

Gene: DDX3X (DEAD-box helicase 3 X-linked; plus strand). Cytogenetic location: Xp11.4.
Variant type: single nucleotide variant.
Coding change: c.203C>T on transcript NM_001356.5 (MANE Select); coding-DNA position 203, C replaced by T.
Protein change: p.Ala68Val; replaces alanine 68 with valine.
Molecular consequence: missense variant. On other transcripts: 5 prime UTR variant (1), non-coding transcript variant (1).
Genome position (GRCh38, 1-based): chrX:41,341,535, C>T. VCF-style: chrX-41341535-C-T. GRCh37 (hg19) VCF-style: chrX-41200788-C-T.
Other names: c.203C>T, p.Ala68Val (NM_001193416.3); c.155C>T, p.Ala52Val (NM_001193417.3); c.-356C>T (NM_001363819.1); short protein forms A52V, A68V.
Identifiers: ClinVar variation 2121099 (VCV002121099.4), dbSNP rs1250603833, ClinGen allele CA412764875.